The following is an entry in ClinVar:

NM_007327.4(GRIN1):c.1483A>G (p.Lys495Glu)

Gene: GRIN1 (glutamate ionotropic receptor NMDA type subunit 1; plus strand). Cytogenetic location: 9q34.3.
Variant type: single nucleotide variant.
Coding change: c.1483A>G on transcript NM_007327.4 (MANE Select); coding-DNA position 1483, A replaced by G.
Protein change: p.Lys495Glu; replaces lysine 495 with glutamic acid.
Molecular consequence: missense variant.
Genome position (GRCh38, 1-based): chr9:137,161,939, A>G. VCF-style: chr9-137161939-A-G. GRCh37 (hg19) VCF-style: chr9-140056391-A-G.
Other names: c.1483A>G, p.Lys495Glu (NM_000832.7, NM_021569.4); c.1546A>G, p.Lys516Glu (NM_001185090.2, NM_001185091.2); short protein forms K495E, K516E.
Identifiers: ClinVar variation 1034380 (VCV001034380.1), dbSNP rs1833574504, ClinGen allele CA375717051.

ClinVar aggregate classification (germline): Uncertain significance (1 of 4 stars; one submission).

Conditions:
Neurodevelopmental disorder with or without hyperkinetic movements and seizures, autosomal dominant. Also called: Intellectual disability, autosomal dominant 8. Identifiers: MedGen C3280282, MONDO:0013655, OMIM 614254.

Allele frequency attached by ClinVar (database versions not stated): gnomAD exomes below 0.00001.
gnomAD v4.1: 1 of 1,563,892 alleles (0.000064%); highest among the groups gnomAD compares: Non-Finnish European, 0.000087%; no homozygotes.

Submission:

Baylor Genetics
Classification: Uncertain significance for Neurodevelopmental disorder with or without hyperkinetic movements and seizures, autosomal dominant. Last evaluated: 2018-11-30. Review status: criteria provided, single submitter. Criteria: ACMG Guidelines, 2015. Collection method: clinical testing. Allele origin: maternal. Affected: yes.
Comment: This variant was determined to be of uncertain significance according to ACMG Guidelines, 2015 [PMID:25741868].